The following is an entry in ClinVar:

NM_138409.4(MRAP2):c.230A>G (p.Asn77Ser)

Gene: MRAP2 (melanocortin 2 receptor accessory protein 2; plus strand). Cytogenetic location: 6q14.2.
Variant type: single nucleotide variant.
Coding change: c.230A>G on transcript NM_138409.4 (MANE Select); coding-DNA position 230, A replaced by G.
Protein change: p.Asn77Ser; replaces asparagine 77 with serine.
Molecular consequence: missense variant. On other transcripts: 5 prime UTR variant (1).
Genome position (GRCh38, 1-based): chr6:84,089,093, A>G. VCF-style: chr6-84089093-A-G. GRCh37 (hg19) VCF-style: chr6-84798812-A-G.
Other names: c.-29A>G (NM_001346541.2); c.230A>G, p.Asn77Ser (NM_001346542.2, NM_001346544.2); c.65A>G, p.Asn22Ser (NM_001346543.2); short protein forms N22S, N77S.
Identifiers: ClinVar variation 4992177 (VCV004992177.1).
Genomic context (GRCh38, chr6:84,089,093, plus strand): 5'-ATTCTGCAGGTGAATGGGCTGGAGTGTAAGCAGTCTTTTATTTTCTTTTTTTAAATAGCA[A>G]TGCAGAGTCCTCAGAGAAGAGATTCAGAATGAACAGCTTTGTGTCAGACTTTGGAAGACC-3'
Protein context (NP_612418.2, residues 67-87): LTKTGAPHQD[Asn77Ser]AESSEKRFRM

ClinVar aggregate classification (germline): Uncertain significance (1 of 4 stars; one submission).

Conditions:
MRAP2-related disorder. Also called: MRAP2-related condition.

gnomAD v4.1: 35 of 1,607,690 alleles (0.0022%); highest among the groups gnomAD compares: Non-Finnish European, 0.0028%; no homozygotes.

Submission:

PreventionGenetics, part of Exact Sciences
Classification: Uncertain significance for MRAP2-related condition. Last evaluated: 2026-05-26. Review status: criteria provided, single submitter. Criteria: ACMG Guidelines, 2015. Collection method: clinical testing. Allele origin: germline.
Comment: The MRAP2 c.230A>G variant is predicted to result in the amino acid substitution p.Asn77Ser. This variant was reported in an obese father and severely obese son; however, it was not present in two other obese individuals in the family (Extended Data Fig 3 and Table 1, Baron et al. 2019. PubMed ID: 31700171). Functional studies in CHO cells indicated this variant results in decreased cAMP produced in response to ACTH or α-MSH (Baron et al. 2019. PubMed ID: 31700171). This variant is reported in 0.0064% of alleles in individuals of African descent in gnomAD. At this time, the clinical significance of this variant is uncertain due to the absence of conclusive functional and genetic evidence.